The following is an entry in ClinVar:

ClinVar aggregate classification (germline): Uncertain significance. Review status: criteria provided, multiple submitters, no conflicts (2 of 4 stars). 2 submissions from 2 submitters: Uncertain significance (2). Last evaluated 2024-04-01.

Allele frequency attached by ClinVar (database versions not stated): gnomAD 0.00002 and 0.00003; gnomAD exomes 0.00005 and 0.00015; TOPMed 0.00005; ESP Exome Variant Server 0.00008; 1000 Genomes Project 0.00020; ExAC 0.00020; 1000 Genomes Project 30x 0.00031.
gnomAD v4.1: 89 of 1,613,762 alleles (0.0055%); highest among the groups gnomAD compares: Middle Eastern, 0.017%; no homozygotes.

Submissions (2):

CeGaT Center for Human Genetics Tuebingen
Classification: Uncertain significance. Last evaluated: 2024-04-01. Review status: criteria provided, single submitter. Criteria: CeGaT Center For Human Genetics Tuebingen Variant Classification Criteria Version 2. Collection method: clinical testing. Allele origin: germline. Affected: yes. Observed: 1 variant allele.
Comment: HACD1: PM2:Supporting, BP4

Labcorp Genetics (formerly Invitae), Labcorp
Classification: Uncertain significance. Last evaluated: 2022-05-04. Review status: criteria provided, single submitter. Criteria: Invitae Variant Classification Sherloc (09022015). Collection method: clinical testing. Allele origin: germline.
Comment: This sequence change replaces alanine, which is neutral and non-polar, with threonine, which is neutral and polar, at codon 174 of the HACD1 protein (p.Ala174Thr). This variant is present in population databases (rs146922579, gnomAD 0.04%). This variant has not been reported in the literature in individuals affected with HACD1-related conditions. Algorithms developed to predict the effect of missense changes on protein structure and function are either unavailable or do not agree on the potential impact of this missense change (SIFT: "Deleterious"; PolyPhen-2: "Benign"; Align-GVGD: "Class C0"). In summary, the available evidence is currently insufficient to determine the role of this variant in disease. Therefore, it has been classified as a Variant of Uncertain Significance.

NM_014241.4(HACD1):c.520G>A (p.Ala174Thr)

Gene: HACD1 (3-hydroxyacyl-CoA dehydratase 1; minus strand). Cytogenetic location: 10p12.33.
Variant type: single nucleotide variant.
Coding change: c.520G>A on transcript NM_014241.4 (MANE Select); coding-DNA position 520, G replaced by A.
Protein change: p.Ala174Thr; replaces alanine 174 with threonine.
Molecular consequence: missense variant.
Genome position (GRCh38, 1-based): chr10:17,599,375, C>T on the plus strand (G>A on the coding strand, the complement: HACD1 is on the minus strand). VCF-style: chr10-17599375-C-T. GRCh37 (hg19) VCF-style: chr10-17641374-C-T.
Other names: short protein forms A174T.
Identifiers: ClinVar variation 1477560 (VCV001477560.27), dbSNP rs146922579, ClinGen allele CA5427272.